The following is an entry in ClinVar:

ClinVar aggregate classification (germline): Uncertain significance (1 of 4 stars; one submission).

Conditions:
Adams-Oliver syndrome 5 (AOS5). Identifiers: Orphanet 974, MedGen C4014970, MONDO:0014459, OMIM 616028.

Submission:

Labcorp Genetics (formerly Invitae), Labcorp
Classification: Uncertain significance for Adams-Oliver syndrome 5. Last evaluated: 2022-08-22. Review status: criteria provided, single submitter. Criteria: Invitae Variant Classification Sherloc (09022015). Collection method: clinical testing. Allele origin: germline.
Comment: This variant is not present in population databases (gnomAD no frequency). This sequence change replaces valine, which is neutral and non-polar, with leucine, which is neutral and non-polar, at codon 2421 of the NOTCH1 protein (p.Val2421Leu). In summary, the available evidence is currently insufficient to determine the role of this variant in disease. Therefore, it has been classified as a Variant of Uncertain Significance. This variant has not been reported in the literature in individuals affected with NOTCH1-related conditions. Advanced modeling of protein sequence and biophysical properties (such as structural, functional, and spatial information, amino acid conservation, physicochemical variation, residue mobility, and thermodynamic stability) performed at Invitae indicates that this missense variant is not expected to disrupt NOTCH1 protein function.

NM_017617.5(NOTCH1):c.7261G>T (p.Val2421Leu)

Gene: NOTCH1 (notch receptor 1; minus strand). Cytogenetic location: 9q34.3.
Variant type: single nucleotide variant.
Coding change: c.7261G>T on transcript NM_017617.5 (MANE Select); coding-DNA position 7261, G replaced by T.
Protein change: p.Val2421Leu; replaces valine 2421 with leucine.
Molecular consequence: missense variant.
Genome position (GRCh38, 1-based): chr9:136,496,478, C>A on the plus strand (G>T on the coding strand, the complement: NOTCH1 is on the minus strand). VCF-style: chr9-136496478-C-A. GRCh37 (hg19) VCF-style: chr9-139390930-C-A.
Other names: short protein forms V2421L.
Identifiers: ClinVar variation 2029685 (VCV002029685.4), dbSNP rs373874935, ClinGen allele CA375627417.
Genomic context (GRCh38, chr9:136,496,478, plus strand): 5'-CCTGGCTCGGCTCTCCACTCAGGAAGCTCCGGCCCAGGTGGCCGCTGGCTGCTGAGCTCA[C>A]GCCAAGGTGCGGCTGTGGTGGTGGTGGTGGCGGCTGCAGGCTTTGCTGCTGCTGGATGTT-3'
Protein context (NP_060087.3, residues 2411-2431): PPPPPQPHLG[Val2421Leu]SSAASGHLGR